The following is an entry in ClinVar:

ClinVar aggregate classification (germline): Benign. Review status: criteria provided, multiple submitters, no conflicts (2 of 4 stars). 6 submissions from 6 submitters: Benign (5). 1 of the submissions does not count toward it. Last evaluated 2026-02-04.

Conditions:
Seckel syndrome 7 (SCKL7). Identifiers: Orphanet 319675, MedGen C3553870, MONDO:0013922, OMIM 614851.

Allele frequency attached by ClinVar (database versions not stated): ExAC 0.50442; 1000 Genomes Project 0.50879; 1000 Genomes Project 30x 0.51187; TOPMed 0.55195; gnomAD 0.55468 and 0.56301; ESP Exome Variant Server 0.57789.
gnomAD v4.1: 835,085 of 1,611,694 alleles (52%); highest among the groups gnomAD compares: African/African-American, 70%; 220,381 homozygotes.

Submissions (6):

Labcorp Genetics (formerly Invitae), Labcorp
Classification: Benign. Last evaluated: 2026-02-04. Review status: criteria provided, single submitter. Criteria: Invitae Variant Classification Sherloc (09022015). Collection method: clinical testing. Allele origin: germline.

Blueprint Genetics
Classification: Benign. Last evaluated: 2024-11-27. Review status: criteria provided, single submitter. Criteria: ACMG Guidelines, 2015. Collection method: clinical testing. Allele origin: germline.

Genome-Nilou Lab
Classification: Benign for Seckel syndrome 7. Last evaluated: 2021-09-05. Review status: criteria provided, single submitter. Criteria: ACMG Guidelines, 2015. Collection method: clinical testing. Allele origin: germline. Affected: no.

GeneDx
Classification: Benign. Last evaluated: 2021-05-04. Review status: criteria provided, single submitter. Criteria: GeneDx Variant Classification Process June 2021. Collection method: clinical testing. Allele origin: germline. Affected: yes.

Breakthrough Genomics
Classification: Benign. Review status: criteria provided, single submitter. Criteria: ACMG Guidelines, 2015. Collection method: not provided. Allele origin: germline. Inheritance: Autosomal recessive inheritance. Affected: yes.

Genetic Services Laboratory, University of Chicago
Classification: Likely benign for AllHighlyPenetrant. Review status: no assertion criteria provided. Collection method: clinical testing. Allele origin: germline. Inheritance: Autosomal recessive inheritance. Not counted in ClinVar's aggregate classification.
Comment: Likely benign based on allele frequency in 1000 Genomes Project or ESP global frequency and its presence in a patient with a rare or unrelated disease phenotype. NOT Sanger confirmed.

NM_020921.4(NIN):c.5637G>A (p.Gln1879=)

Gene: NIN (ninein; minus strand). Cytogenetic location: 14q22.1.
Variant type: single nucleotide variant.
Coding change: c.5637G>A on transcript NM_020921.4 (MANE Select); coding-DNA position 5637, G replaced by A.
Protein change: p.Gln1879=; no amino-acid change (glutamine 1879 retained).
Molecular consequence: synonymous variant.
Genome position (GRCh38, 1-based): chr14:50,738,278, C>T on the plus strand (G>A on the coding strand, the complement: NIN is on the minus strand). VCF-style: chr14-50738278-C-T. GRCh37 (hg19) VCF-style: chr14-51204996-C-T.
Other names: c.3498G>A, p.Gln1166= (NM_016350.5); c.5637G>A, p.Gln1879= (NM_182944.3, NM_182946.2).
Identifiers: ClinVar variation 129797 (VCV000129797.20), dbSNP rs11376, ClinGen allele CA154108.